The following is an entry in ClinVar:

ClinVar aggregate classification (germline): Uncertain significance (1 of 4 stars; one submission).

Conditions:
Early-infantile DEE. Also called: Ohtahara syndrome; Early infantile epileptic encephalopathy; Early infantile epileptic encephalopathy with suppression bursts. Identifiers: Orphanet 1934, MedGen C0393706, MONDO:0800491.

Allele frequency attached by ClinVar (database versions not stated): gnomAD exomes below 0.00001.
gnomAD v4.1: 3 of 1,613,778 alleles (0.00019%); highest among the groups gnomAD compares: Non-Finnish European, 0.00017%; no homozygotes.

Submission:

Labcorp Genetics (formerly Invitae), Labcorp
Classification: Uncertain significance for Early-infantile DEE. Last evaluated: 2025-02-24. Review status: criteria provided, single submitter. Criteria: Invitae Variant Classification Sherloc (09022015). Collection method: clinical testing. Allele origin: germline.
Comment: This sequence change replaces arginine, which is basic and polar, with histidine, which is basic and polar, at codon 547 of the SPTAN1 protein (p.Arg547His). This variant is not present in population databases (gnomAD no frequency). This missense change has been observed in individual(s) with clinical features of SPTAN1-related conditions (internal data). ClinVar contains an entry for this variant (Variation ID: 1484349). Invitae Evidence Modeling of protein sequence and biophysical properties (such as structural, functional, and spatial information, amino acid conservation, physicochemical variation, residue mobility, and thermodynamic stability) has been performed for this missense variant. However, the output from this modeling did not meet the statistical confidence thresholds required to predict the impact of this variant on SPTAN1 protein function. In summary, the available evidence is currently insufficient to determine the role of this variant in disease. Therefore, it has been classified as a Variant of Uncertain Significance.

NM_001130438.3(SPTAN1):c.1640G>A (p.Arg547His)

Gene: SPTAN1 (spectrin alpha, non-erythrocytic 1; plus strand). Cytogenetic location: 9q34.11.
Variant type: single nucleotide variant.
Coding change: c.1640G>A on transcript NM_001130438.3 (MANE Select); coding-DNA position 1640, G replaced by A.
Protein change: p.Arg547His; replaces arginine 547 with histidine.
Molecular consequence: missense variant.
Genome position (GRCh38, 1-based): chr9:128,582,546, G>A. VCF-style: chr9-128582546-G-A. GRCh37 (hg19) VCF-style: chr9-131344825-G-A.
Other names: c.1640G>A, p.Arg547His (NM_001195532.2, NM_001363759.2, NM_001363765.2 and 5 more transcripts); c.1676G>A, p.Arg559His (NM_001375312.2, NM_001375318.1); short protein forms R559H, R547H.
Identifiers: ClinVar variation 1484349 (VCV001484349.9), dbSNP rs1277192295, ClinGen allele CA375054861.